The following is an entry in ClinVar:

ClinVar aggregate classification (germline): Benign/Likely benign. Review status: criteria provided, multiple submitters, no conflicts (2 of 4 stars). 5 submissions from 5 submitters: Benign (3); Likely benign (1). 1 of the submissions does not count toward it. Last evaluated 2024-11-20.

Conditions:
Gray platelet syndrome (GPS). Also called: BLEEDING DISORDER, PLATELET-TYPE, 4. Identifiers: Orphanet 721, MedGen C0272302, MONDO:0007686, OMIM 139090.
NBEAL2-related disorder. Also called: NBEAL2-related condition.

Allele frequency attached by ClinVar (database versions not stated): gnomAD 0.00061 and 0.00081; TOPMed 0.00097; gnomAD exomes 0.00121; ExAC 0.00132; 1000 Genomes Project 30x 0.00359; 1000 Genomes Project 0.00419.
gnomAD v4.1: 749 of 1,613,664 alleles (0.046%); highest among the groups gnomAD compares: East Asian, 1.5%; 6 homozygotes.

Submissions (5):

Blueprint Genetics
Classification: Likely benign. Last evaluated: 2024-11-20. Review status: criteria provided, single submitter. Criteria: ACMG Guidelines, 2015. Collection method: clinical testing. Allele origin: germline.

Labcorp Genetics (formerly Invitae), Labcorp
Classification: Benign. Last evaluated: 2018-06-15. Review status: criteria provided, single submitter. Criteria: Invitae Variant Classification Sherloc (09022015). Collection method: clinical testing. Allele origin: germline.

Illumina Laboratory Services, Illumina
Classification: Benign for Gray platelet syndrome. Last evaluated: 2018-01-13. Review status: criteria provided, single submitter. Criteria: ICSL Variant Classification Criteria 13 December 2019. Collection method: clinical testing. Allele origin: germline.
Comment: This variant was observed in the ICSL laboratory as part of a predisposition screen in an ostensibly healthy population. It had not been previously curated by ICSL or reported in the Human Gene Mutation Database (HGMD: prior to June 1st, 2018), and was therefore a candidate for classification through an automated scoring system. Utilizing variant allele frequency, disease prevalence and penetrance estimates, and inheritance mode, an automated score was calculated to assess if this variant is too frequent to cause the disease. Based on the score and internal cut-off values, a variant classified as benign is not then subjected to further curation. The score for this variant resulted in a classification of benign for this disease.

Breakthrough Genomics
Classification: Benign. Review status: criteria provided, single submitter. Criteria: ACMG Guidelines, 2015. Collection method: not provided. Allele origin: germline. Inheritance: Autosomal recessive inheritance. Affected: yes.

PreventionGenetics, part of Exact Sciences
Classification: Benign for NBEAL2-related condition. Last evaluated: 2019-04-30. Review status: no assertion criteria provided. Collection method: clinical testing. Allele origin: germline. Not counted in ClinVar's aggregate classification.
Comment: This variant is classified as benign based on ACMG/AMP sequence variant interpretation guidelines (Richards et al. 2015 PMID: 25741868, with internal and published modifications).

NM_015175.3(NBEAL2):c.6378C>T (p.Ile2126=)

Gene: NBEAL2 (neurobeachin like 2; plus strand). Cytogenetic location: 3p21.31.
Variant type: single nucleotide variant.
Coding change: c.6378C>T on transcript NM_015175.3 (MANE Select); coding-DNA position 6378, C replaced by T.
Protein change: p.Ile2126=; no amino-acid change (isoleucine 2126 retained).
Molecular consequence: synonymous variant.
Genome position (GRCh38, 1-based): chr3:47,005,055, C>T. VCF-style: chr3-47005055-C-T. GRCh37 (hg19) VCF-style: chr3-47046545-C-T.
Other names: c.6276C>T, p.Ile2092= (NM_001365116.2).
Identifiers: ClinVar variation 713064 (VCV000713064.11), dbSNP rs187781607, ClinGen allele CA2361840.